The following is an entry in ClinVar:

ClinVar aggregate classification (germline): Uncertain significance (1 of 4 stars; one submission).

Allele frequency attached by ClinVar (database versions not stated): gnomAD 0.00001; TOPMed 0.00002.
gnomAD v4.1: 4 of 1,614,062 alleles (0.00025%); highest among the groups gnomAD compares: African/African-American, 0.0027%; no homozygotes.

Submission:

Ambry Genetics
Classification: Uncertain significance. Last evaluated: 2024-08-25. Review status: criteria provided, single submitter. Criteria: Ambry Variant Classification Scheme 2023. Collection method: clinical testing. Allele origin: germline.
Comment: The p.S216N variant (also known as c.647G>A), located in coding exon 1 of the PALLD gene, results from a G to A substitution at nucleotide position 647. The serine at codon 216 is replaced by asparagine, an amino acid with highly similar properties. This amino acid position is conserved. In addition, this alteration is predicted to be tolerated by in silico analysis. Since supporting evidence is limited at this time, the clinical significance of this alteration remains unclear.

NM_001166108.2(PALLD):c.647G>A (p.Ser216Asn)

Gene: PALLD (palladin, cytoskeletal associated protein; plus strand). Cytogenetic location: 4q32.3.
Variant type: single nucleotide variant.
Coding change: c.647G>A on transcript NM_001166108.2 (MANE Select); coding-DNA position 647, G replaced by A.
Protein change: p.Ser216Asn; replaces serine 216 with asparagine.
Molecular consequence: missense variant.
Genome position (GRCh38, 1-based): chr4:168,512,151, G>A. VCF-style: chr4-168512151-G-A. GRCh37 (hg19) VCF-style: chr4-169433302-G-A.
Other names: c.647G>A, p.Ser216Asn (NM_016081.4); short protein forms S216N.
Identifiers: ClinVar variation 1753747 (VCV001753747.3), dbSNP rs757199423, ClinGen allele CA109883556.